The following is an entry in ClinVar:

ClinVar aggregate classification (germline): Uncertain significance. Review status: criteria provided, multiple submitters, no conflicts (2 of 4 stars). 2 submissions from 2 submitters: Uncertain significance (2). Last evaluated 2025-02-16.

Submissions (2):

Laboratory of Genetics, Children's Clinical University Hospital Latvia
Classification: Uncertain significance. Last evaluated: 2025-02-16. Review status: criteria provided, single submitter. Criteria: ACMG Guidelines, 2015. Collection method: clinical testing. Allele origin: germline. Affected: yes.

GeneDx
Classification: Uncertain significance. Last evaluated: 2019-08-30. Review status: criteria provided, single submitter. Criteria: GeneDx Variant Classification Process June 2021. Collection method: clinical testing. Allele origin: germline. Affected: yes.
Comment: Not observed in large population cohorts (Lek et al., 2016); In silico analysis, which includes protein predictors and evolutionary conservation, supports a deleterious effect; Has not been previously published as pathogenic or benign to our knowledge

NM_170606.3(KMT2C):c.14404G>A (p.Gly4802Arg)

Gene: KMT2C (lysine methyltransferase 2C; minus strand). Cytogenetic location: 7q36.1.
Variant type: single nucleotide variant.
Coding change: c.14404G>A on transcript NM_170606.3 (MANE Select); coding-DNA position 14404, G replaced by A.
Protein change: p.Gly4802Arg; replaces glycine 4802 with arginine.
Molecular consequence: missense variant.
Genome position (GRCh38, 1-based): chr7:152,139,731, C>T on the plus strand (G>A on the coding strand, the complement: KMT2C is on the minus strand). VCF-style: chr7-152139731-C-T. GRCh37 (hg19) VCF-style: chr7-151836816-C-T.
Other names: short protein forms G4802R.
Identifiers: ClinVar variation 1302428 (VCV001302428.3), dbSNP rs2129089876, ClinGen allele CA370085912.